The following is an entry in ClinVar:

NM_020549.5(CHAT):c.166G>C (p.Gly56Arg)

Gene: CHAT (choline O-acetyltransferase; plus strand). Cytogenetic location: 10q11.23.
Variant type: single nucleotide variant.
Coding change: c.166G>C on transcript NM_020549.5 (MANE Select); coding-DNA position 166, G replaced by C.
Protein change: p.Gly56Arg; replaces glycine 56 with arginine.
Molecular consequence: missense variant. On other transcripts: 5 prime UTR variant (4), intron variant (2).
Genome position (GRCh38, 1-based): chr10:49,614,355, G>C. VCF-style: chr10-49614355-G-C. GRCh37 (hg19) VCF-style: chr10-50822401-G-C.
Other names: c.-189G>C (NM_001142929.2, NM_020985.4); c.-151G>C (NM_001142933.2); c.-259G>C (NM_001142934.2); c.-68-2147G>C (NM_020984.4); c.-69+1153G>C (NM_020986.4); c.166G>C (NM_020549.4); short protein forms G56R.
Identifiers: ClinVar variation 2043537 (VCV002043537.2), dbSNP rs1035380885, ClinGen allele CA206622896.

ClinVar aggregate classification (germline): Uncertain significance. Review status: criteria provided, multiple submitters, no conflicts (2 of 4 stars). 2 submissions from 2 submitters: Uncertain significance (2). Last evaluated 2025-04-07.

Conditions:
Inborn genetic diseases. Identifiers: MedGen C0950123, MeSH D030342.
Familial infantile myasthenia (CMS6). Also called: Congenital myasthenic syndrome type 6; MYASTHENIC SYNDROME, PRESYNAPTIC, CONGENITAL, ASSOCIATED WITH EPISODIC APNEA; MYASTHENIC SYNDROME, CONGENITAL, 6, PRESYNAPTIC. Identifiers: Orphanet 590, MedGen C0393929, MONDO:0009689, OMIM 254210.

Allele frequency attached by ClinVar (database versions not stated): gnomAD exomes 0.00002.
gnomAD v4.1: 32 of 1,546,122 alleles (0.0021%); highest among the groups gnomAD compares: Non-Finnish European, 0.0026%; no homozygotes.

Submissions (2):

Ambry Genetics
Classification: Uncertain significance for Inborn genetic diseases. Last evaluated: 2025-04-07. Review status: criteria provided, single submitter. Criteria: Ambry Variant Classification Scheme 2023. Collection method: clinical testing. Allele origin: germline.

Labcorp Genetics (formerly Invitae), Labcorp
Classification: Uncertain significance for Familial infantile myasthenia. Last evaluated: 2022-03-08. Review status: criteria provided, single submitter. Criteria: Invitae Variant Classification Sherloc (09022015). Collection method: clinical testing. Allele origin: germline.
Comment: This sequence change replaces glycine, which is neutral and non-polar, with arginine, which is basic and polar, at codon 56 of the CHAT protein (p.Gly56Arg). This variant is present in population databases (no rsID available, gnomAD 0.006%). This variant has not been reported in the literature in individuals affected with CHAT-related conditions. Advanced modeling of protein sequence and biophysical properties (such as structural, functional, and spatial information, amino acid conservation, physicochemical variation, residue mobility, and thermodynamic stability) performed at Invitae indicates that this missense variant is not expected to disrupt CHAT protein function. In summary, the available evidence is currently insufficient to determine the role of this variant in disease. Therefore, it has been classified as a Variant of Uncertain Significance.